The following is an entry in ClinVar:

NM_002506.3(NGF):c.136A>G (p.Thr46Ala)

Genes: NGF (nerve growth factor; minus strand), NGF-AS1 (NGF antisense RNA 1; plus strand). Cytogenetic location: 1p13.2.
Variant type: single nucleotide variant.
Coding change: c.136A>G on transcript NM_002506.3 (MANE Select); coding-DNA position 136, A replaced by G.
Protein change: p.Thr46Ala; replaces threonine 46 with alanine.
Molecular consequence: missense variant.
Genome position (GRCh38, 1-based): chr1:115,286,660, T>C on the plus strand (A>G on the coding strand, the complement: NGF is on the minus strand). VCF-style: chr1-115286660-T-C. GRCh37 (hg19) VCF-style: chr1-115829281-T-C.
Other names: short protein forms T46A.
Identifiers: ClinVar variation 1468579 (VCV001468579.8), dbSNP rs1294782064, ClinGen allele CA341837157.

ClinVar aggregate classification (germline): Uncertain significance (1 of 4 stars; one submission).

Conditions:
Congenital sensory neuropathy with selective loss of small myelinated fibers (HSAN5). Also called: HSAN Type V. Identifiers: Orphanet 64752, MedGen C0020075, MONDO:0012092, OMIM 608654.

gnomAD v4.1: 19 of 1,614,194 alleles (0.0012%); highest among the groups gnomAD compares: Non-Finnish European, 0.0014%; no homozygotes.

Submission:

Labcorp Genetics (formerly Invitae), Labcorp
Classification: Uncertain significance for Congenital sensory neuropathy with selective loss of small myelinated fibers. Last evaluated: 2024-01-02. Review status: criteria provided, single submitter. Criteria: Invitae Variant Classification Sherloc (09022015). Collection method: clinical testing. Allele origin: germline.
Comment: This sequence change replaces threonine, which is neutral and polar, with alanine, which is neutral and non-polar, at codon 46 of the NGF protein (p.Thr46Ala). This variant is not present in population databases (gnomAD no frequency). This variant has not been reported in the literature in individuals affected with NGF-related conditions. ClinVar contains an entry for this variant (Variation ID: 1468579). Advanced modeling of protein sequence and biophysical properties (such as structural, functional, and spatial information, amino acid conservation, physicochemical variation, residue mobility, and thermodynamic stability) performed at Invitae indicates that this missense variant is not expected to disrupt NGF protein function with a negative predictive value of 80%. In summary, the available evidence is currently insufficient to determine the role of this variant in disease. Therefore, it has been classified as a Variant of Uncertain Significance.